The following is an entry in ClinVar:

NM_000965.5(RARB):c.294T>A (p.Cys98Ter)

Gene: RARB (retinoic acid receptor beta; plus strand). Cytogenetic location: 3p24.2.
Variant type: single nucleotide variant.
Coding change: c.294T>A on transcript NM_000965.5 (MANE Select); coding-DNA position 294, T replaced by A.
Protein change: p.Cys98Ter; replaces cysteine 98 with a stop codon.
Molecular consequence: nonsense. On other transcripts: 5 prime UTR variant (3), non-coding transcript variant (2).
Genome position (GRCh38, 1-based): chr3:25,461,329, T>A. VCF-style: chr3-25461329-T-A. GRCh37 (hg19) VCF-style: chr3-25502820-T-A.
Other names: c.315T>A, p.Cys105Ter (NM_001290216.3); c.-43T>A (NM_001290217.2, NM_001290276.2, NM_016152.4); c.147T>A, p.Cys49Ter (NM_001290266.2); c.294T>A, p.Cys98Ter (NM_001290277.1); c.165T>A, p.Cys55Ter (NM_001290300.2); short protein forms C105*, C49*, C98*, C55*.
Identifiers: ClinVar variation 4734829 (VCV004734829.1).
Genomic context (GRCh38, chr3:25,461,329, plus strand): 5'-CAAACCCTGCTTCGTCTGCCAGGACAAATCATCAGGGTACCACTATGGGGTCAGCGCCTG[T>A]GAGGGATGTAAGGTGAGTATTCACACTTCTGTGCCTGATGAACTCTCATTCTCCATGTAC-3'

ClinVar aggregate classification (germline): Uncertain significance (1 of 4 stars; one submission).

Conditions:
Microphthalmia, syndromic 12 (MCOPS12). Also called: MICROPHTHALMIA WITH OR WITHOUT PULMONARY HYPOPLASIA, DIAPHRAGMATIC HERNIA, AND/OR CARDIAC DEFECTS. Identifiers: Orphanet 2470, Orphanet 689829, MedGen C3809803, MONDO:0014229, OMIM 615524.

Submission:

Labcorp Genetics (formerly Invitae), Labcorp
Classification: Uncertain significance for Microphthalmia, syndromic 12. Last evaluated: 2026-01-06. Review status: criteria provided, single submitter. Criteria: Invitae Variant Classification Sherloc (09022015). Collection method: clinical testing. Allele origin: germline.
Comment: This sequence change creates a premature translational stop signal (p.Cys98*) in the RARB gene. It is expected to result in an absent or disrupted protein product. However, the current clinical and genetic evidence is not sufficient to establish whether loss-of-function variants in RARB cause disease. This variant is not present in population databases (gnomAD no frequency). This variant has not been reported in the literature in individuals affected with RARB-related conditions. In summary, the available evidence is currently insufficient to determine the role of this variant in disease. Therefore, it has been classified as a Variant of Uncertain Significance.